The following is an entry in ClinVar:

ClinVar aggregate classification (germline): Uncertain significance (1 of 4 stars; one submission).

Submission:

GeneDx
Classification: Uncertain significance. Last evaluated: 2024-06-28. Review status: criteria provided, single submitter. Criteria: GeneDx Variant Classification Process June 2021. Collection method: clinical testing. Allele origin: germline. Affected: yes.
Comment: Not observed at significant frequency in large population cohorts (gnomAD); In silico analysis supports that this missense variant has a deleterious effect on protein structure/function; Has not been previously published as pathogenic or benign to our knowledge

NM_003108.4(SOX11):c.1076A>G (p.Asp359Gly)

Gene: SOX11 (SRY-box transcription factor 11; plus strand). Cytogenetic location: 2p25.2.
Variant type: single nucleotide variant.
Coding change: c.1076A>G on transcript NM_003108.4 (MANE Select); coding-DNA position 1076, A replaced by G.
Protein change: p.Asp359Gly; replaces aspartic acid 359 with glycine.
Molecular consequence: missense variant.
Genome position (GRCh38, 1-based): chr2:5,693,797, A>G. VCF-style: chr2-5693797-A-G. GRCh37 (hg19) VCF-style: chr2-5833929-A-G.
Other names: short protein forms D359G.
Identifiers: ClinVar variation 3392626 (VCV003392626.1).
Genomic context (GRCh38, chr2:5,693,797, plus strand): 5'-TGTCCACCTCCTCGTCCAGCAGCAGCGGCAGCAGCAGCGGCAGCAGCGGCGAGGACGCCG[A>G]CGACCTGATGTTCGACCTGAGCTTGAATTTCTCTCAAAGCGCGCACAGCGCCAGCGAGCA-3'
Protein context (NP_003099.1, residues 349-369): SSSGSSGEDA[Asp359Gly]DLMFDLSLNF